The following is an entry in ClinVar:

ClinVar aggregate classification (germline): Uncertain significance (1 of 4 stars; one submission).

gnomAD v4.1: 12 of 1,595,706 alleles (0.00075%); highest among the groups gnomAD compares: South Asian, 0.0091%; no homozygotes.

Submission:

Labcorp Genetics (formerly Invitae), Labcorp
Classification: Uncertain significance. Last evaluated: 2025-12-01. Review status: criteria provided, single submitter. Criteria: Invitae Variant Classification Sherloc (09022015). Collection method: clinical testing. Allele origin: germline.
Comment: This sequence change replaces aspartic acid, which is acidic and polar, with asparagine, which is neutral and polar, at codon 312 of the GNB3 protein (p.Asp312Asn). The frequency data for this variant in the population databases is considered unreliable, as metrics indicate poor data quality at this position in the gnomAD database. This variant has not been reported in the literature in individuals affected with GNB3-related conditions. Invitae Evidence Modeling of protein sequence and biophysical properties (such as structural, functional, and spatial information, amino acid conservation, physicochemical variation, residue mobility, and thermodynamic stability) indicates that this missense variant is not expected to disrupt GNB3 protein function with a negative predictive value of 80%. In summary, the available evidence is currently insufficient to determine the role of this variant in disease. Therefore, it has been classified as a Variant of Uncertain Significance.

NM_002075.4(GNB3):c.934G>A (p.Asp312Asn)

Genes: CDCA3 (cell division cycle associated 3; minus strand), GNB3 (G protein subunit beta 3; plus strand). Cytogenetic location: 12p13.31.
Variant type: single nucleotide variant.
Coding change: c.934G>A on transcript NM_002075.4 (MANE Select); coding-DNA position 934, G replaced by A.
Protein change: p.Asp312Asn; replaces aspartic acid 312 with asparagine.
Molecular consequence: missense variant. On other transcripts: synonymous variant (1).
Genome position (GRCh38, 1-based): chr12:6,846,809, G>A. VCF-style: chr12-6846809-G-A. GRCh37 (hg19) VCF-style: chr12-6955973-G-A.
Other names: c.931G>A, p.Asp311Asn (NM_001297571.2); c.639C>T, p.Ile213= (NM_001297603.3); short protein forms D311N, D312N.
Identifiers: ClinVar variation 4801603 (VCV004801603.1).